The following is an entry in ClinVar:

NM_198252.3(GSN):c.1901C>A (p.Pro634His)

Gene: GSN (gelsolin; plus strand). Cytogenetic location: 9q33.2.
Variant type: single nucleotide variant.
Coding change: c.1901C>A on transcript NM_198252.3 (MANE Select); coding-DNA position 1901, C replaced by A.
Protein change: p.Pro634His; replaces proline 634 with histidine.
Molecular consequence: missense variant.
Genome position (GRCh38, 1-based): chr9:121,329,251, C>A. VCF-style: chr9-121329251-C-A. GRCh37 (hg19) VCF-style: chr9-124091529-C-A.
Other names: c.1901C>A, p.Pro634His (NM_001353053.1, NM_001353054.1, NM_001353055.2 and 10 more transcripts); c.2054C>A, p.Pro685His (NM_000177.5); c.2009C>A, p.Pro670His (NM_001127663.2); c.1934C>A, p.Pro645His (NM_001127666.2, NM_001127667.2, NM_001353063.2 and 13 more transcripts); c.1952C>A, p.Pro651His (NM_001258029.2); c.1925C>A, p.Pro642His (NM_001258030.2); c.1973C>A, p.Pro658His (NM_001353076.2); c.1247C>A, p.Pro416His (NM_001353078.2); short protein forms P634H, P685H, P416H, P651H, P658H, P642H, P645H, P670H.
Identifiers: ClinVar variation 2862262 (VCV002862262.3), dbSNP rs2541342588, ClinGen allele CA374758034.

ClinVar aggregate classification (germline): Uncertain significance (1 of 4 stars; one submission).

Submission:

Labcorp Genetics (formerly Invitae), Labcorp
Classification: Uncertain significance. Last evaluated: 2023-05-05. Review status: criteria provided, single submitter. Criteria: Invitae Variant Classification Sherloc (09022015). Collection method: clinical testing. Allele origin: germline.
Comment: In summary, the available evidence is currently insufficient to determine the role of this variant in disease. Therefore, it has been classified as a Variant of Uncertain Significance. Advanced modeling of protein sequence and biophysical properties (such as structural, functional, and spatial information, amino acid conservation, physicochemical variation, residue mobility, and thermodynamic stability) has been performed at Invitae for this missense variant, however the output from this modeling did not meet the statistical confidence thresholds required to predict the impact of this variant on GSN protein function. This variant has not been reported in the literature in individuals affected with GSN-related conditions. This variant is not present in population databases (gnomAD no frequency). This sequence change replaces proline, which is neutral and non-polar, with histidine, which is basic and polar, at codon 685 of the GSN protein (p.Pro685His).